The following is an entry in ClinVar:

ClinVar aggregate classification (germline): Uncertain significance (1 of 4 stars; one submission).

Conditions:
Familial cancer of breast. Also called: hereditary breast carcinoma; Hereditary breast cancer; BREAST CANCER, FAMILIAL. Identifiers: Orphanet 227535, MedGen C0346153, MONDO:0016419, OMIM 114480. Disease mechanism: loss of function.

Submission:

Labcorp Genetics (formerly Invitae), Labcorp
Classification: Uncertain significance for Familial cancer of breast. Last evaluated: 2023-11-04. Review status: criteria provided, single submitter. Criteria: Invitae Variant Classification Sherloc (09022015). Collection method: clinical testing. Allele origin: germline.
Comment: This sequence change replaces leucine, which is neutral and non-polar, with valine, which is neutral and non-polar, at codon 21 of the PALB2 protein (p.Leu21Val). This variant is not present in population databases (gnomAD no frequency). This variant has not been reported in the literature in individuals affected with PALB2-related conditions. An algorithm developed to predict the effect of missense changes on protein structure and function (PolyPhen-2) suggests that this variant is likely to be disruptive. In summary, the available evidence is currently insufficient to determine the role of this variant in disease. Therefore, it has been classified as a Variant of Uncertain Significance.

NM_024675.4(PALB2):c.61T>G (p.Leu21Val)

Gene: PALB2 (partner and localizer of BRCA2; minus strand). Cytogenetic location: 16p12.2.
Variant type: single nucleotide variant.
Coding change: c.61T>G on transcript NM_024675.4 (MANE Select); coding-DNA position 61, T replaced by G.
Protein change: p.Leu21Val; replaces leucine 21 with valine.
Molecular consequence: missense variant. On other transcripts: 5 prime UTR variant (8), intron variant (4).
Genome position (GRCh38, 1-based): chr16:23,638,117, A>C on the plus strand (T>G on the coding strand, the complement: PALB2 is on the minus strand). VCF-style: chr16-23638117-A-C. GRCh37 (hg19) VCF-style: chr16-23649438-A-C.
Other names: c.61T>G, p.Leu21Val (NM_001407297.1, NM_001407298.1, NM_001407299.1 and 3 more transcripts); c.-825T>G (NM_001407304.1, NM_001407305.1, NM_001407306.1 and 5 more transcripts); c.48+2993T>G (NM_001407314.1); c.-105+2993T>G (NM_001407313.1, NM_001407312.1); c.49-165T>G (NM_001407296.1); short protein forms L21V.
Identifiers: ClinVar variation 2693108 (VCV002693108.3), dbSNP rs2142461023, ClinGen allele CA395139896.